The following is an entry in ClinVar:

ClinVar aggregate classification (germline): Uncertain significance (1 of 4 stars; one submission).

gnomAD v4.1: 6 of 1,613,920 alleles (0.00037%); highest among the groups gnomAD compares: Non-Finnish European, 0.00051%; no homozygotes.

Submission:

Labcorp Genetics (formerly Invitae), Labcorp
Classification: Uncertain significance. Last evaluated: 2025-06-01. Review status: criteria provided, single submitter. Criteria: Invitae Variant Classification Sherloc (09022015). Collection method: clinical testing. Allele origin: germline.
Comment: This sequence change replaces aspartic acid, which is acidic and polar, with asparagine, which is neutral and polar, at codon 294 of the RELA protein (p.Asp294Asn). This variant is present in population databases (rs374605673, gnomAD 0.0009%). This variant has not been reported in the literature in individuals affected with RELA-related conditions. An algorithm developed to predict the effect of missense changes on protein structure and function (PolyPhen-2) suggests that this variant is likely to be disruptive. In summary, the available evidence is currently insufficient to determine the role of this variant in disease. Therefore, it has been classified as a Variant of Uncertain Significance.

NM_021975.4(RELA):c.880G>A (p.Asp294Asn)

Gene: RELA (RELA proto-oncogene, NF-kB subunit; minus strand). Cytogenetic location: 11q13.1.
Variant type: single nucleotide variant.
Coding change: c.880G>A on transcript NM_021975.4 (MANE Select); coding-DNA position 880, G replaced by A.
Protein change: p.Asp294Asn; replaces aspartic acid 294 with asparagine.
Molecular consequence: missense variant.
Genome position (GRCh38, 1-based): chr11:65,655,933, C>T on the plus strand (G>A on the coding strand, the complement: RELA is on the minus strand). VCF-style: chr11-65655933-C-T. GRCh37 (hg19) VCF-style: chr11-65423404-C-T.
Other names: c.871G>A, p.Asp291Asn (NM_001145138.2); c.880G>A, p.Asp294Asn (NM_001243984.2, NM_001243985.2); c.913G>A, p.Asp305Asn (NM_001404657.1); c.853G>A, p.Asp285Asn (NM_001404658.1); c.667G>A, p.Asp223Asn (NM_001404659.1); c.562G>A, p.Asp188Asn (NM_001404660.1); c.499G>A, p.Asp167Asn (NM_001404661.1); c.787G>A, p.Asp263Asn (NM_001404662.1, NM_001404663.1); short protein forms D167N, D188N, D223N, D263N, D285N, D291N, D294N, D305N.
Identifiers: ClinVar variation 4808993 (VCV004808993.1).